The following is an entry in ClinVar:

ClinVar aggregate classification (germline): Pathogenic (1 of 4 stars; one submission).

Conditions:
Pyridoxine-dependent epilepsy (EPEO4). Also called: PYRIDOXINE DEPENDENCY WITH SEIZURES; Pyridoxine-Dependent Seizures; Pyridoxine-Dependent Epilepsy - ALDH7A1; EPILEPSY, EARLY-ONSET, 4, VITAMIN B6-DEPENDENT. Identifiers: Orphanet 3006, MedGen C1849508, MONDO:0009945, OMIM 266100. Disease mechanism: loss of function.

Submission:

Labcorp Genetics (formerly Invitae), Labcorp
Classification: Pathogenic for Pyridoxine-dependent epilepsy. Last evaluated: 2023-06-15. Review status: criteria provided, single submitter. Criteria: Invitae Variant Classification Sherloc (09022015). Collection method: clinical testing. Allele origin: unknown.
Comment: For these reasons, this variant has been classified as Pathogenic. This variant has not been reported in the literature in individuals affected with ALDH7A1-related conditions. This variant is a gross deletion of the genomic region encompassing exon(s) 6-7 of the ALDH7A1 gene. This deletion is out-of-frame, and is expected to create a premature termination codon and result in an absent or disrupted protein product. Loss-of-function variants in ALDH7A1 are known to be pathogenic (PMID: 16491085, 20554659).

Literature cited by the submitters: PubMed 16491085; PubMed 20554659.

NC_000005.9:g.(?_125911092)_(125912923_?)del

Gene: ALDH7A1 (aldehyde dehydrogenase 7 family member A1; minus strand). Cytogenetic location: 5q23.2.
Variant type: Deletion.
Identifiers: ClinVar variation 3246345 (VCV003246345.1).